The following is an entry in ClinVar:

ClinVar aggregate classification (germline): Uncertain significance (1 of 4 stars; one submission).

Conditions:
Familial cold autoinflammatory syndrome 2 (FCAS2). Identifiers: Orphanet 247868, MedGen C2673198, MONDO:0012724, OMIM 611762.

gnomAD v4.1: 2 of 1,614,066 alleles (0.00012%); highest among the groups gnomAD compares: Middle Eastern, 0.016%; no homozygotes.

Submission:

Labcorp Genetics (formerly Invitae), Labcorp
Classification: Uncertain significance for Familial cold autoinflammatory syndrome 2. Last evaluated: 2022-11-15. Review status: criteria provided, single submitter. Criteria: Invitae Variant Classification Sherloc (09022015). Collection method: clinical testing. Allele origin: germline.
Comment: This variant is present in population databases (no rsID available, gnomAD 0.0009%). In summary, the available evidence is currently insufficient to determine the role of this variant in disease. Therefore, it has been classified as a Variant of Uncertain Significance. Advanced modeling of protein sequence and biophysical properties (such as structural, functional, and spatial information, amino acid conservation, physicochemical variation, residue mobility, and thermodynamic stability) performed at Invitae indicates that this missense variant is expected to disrupt NLRP12 protein function. ClinVar contains an entry for this variant (Variation ID: 653931). This variant has not been reported in the literature in individuals affected with NLRP12-related conditions. This sequence change replaces phenylalanine, which is neutral and non-polar, with valine, which is neutral and non-polar, at codon 248 of the NLRP12 protein (p.Phe248Val).

NM_144687.4(NLRP12):c.742T>G (p.Phe248Val)

Gene: NLRP12 (NLR family pyrin domain containing 12; minus strand). Cytogenetic location: 19q13.42.
Variant type: single nucleotide variant.
Coding change: c.742T>G on transcript NM_144687.4 (MANE Select); coding-DNA position 742, T replaced by G.
Protein change: p.Phe248Val; replaces phenylalanine 248 with valine.
Molecular consequence: missense variant.
Genome position (GRCh38, 1-based): chr19:53,810,917, A>C on the plus strand (T>G on the coding strand, the complement: NLRP12 is on the minus strand). VCF-style: chr19-53810917-A-C. GRCh37 (hg19) VCF-style: chr19-54314171-A-C.
Other names: c.742T>G, p.Phe248Val (NM_001277126.2, NM_001277129.1); short protein forms F248V.
Identifiers: ClinVar variation 653931 (VCV000653931.8), dbSNP rs1286975157, ClinGen allele CA407415910.